The following is an entry in ClinVar:

NM_012254.3(SLC27A5):c.378G>A (p.Ala126=)

Gene: SLC27A5 (solute carrier family 27 member 5; minus strand). Cytogenetic location: 19q13.43.
Variant type: single nucleotide variant.
Coding change: c.378G>A on transcript NM_012254.3 (MANE Select); coding-DNA position 378, G replaced by A.
Protein change: p.Ala126=; no amino-acid change (alanine 126 retained).
Molecular consequence: synonymous variant.
Genome position (GRCh38, 1-based): chr19:58,511,578, C>T on the plus strand (G>A on the coding strand, the complement: SLC27A5 is on the minus strand). VCF-style: chr19-58511578-C-T. GRCh37 (hg19) VCF-style: chr19-59022945-C-T.
Other names: c.378G>A, p.Ala126= (NM_001321196.2); c.378G>A (NM_012254.2).
Identifiers: ClinVar variation 594644 (VCV000594644.6), dbSNP rs373630138, ClinGen allele CA9718294.
Genomic context (GRCh38, chr19:58,511,578, plus strand): 5'-ACCAAAGGTGACTGAGCCGGCCCCAGGCCCCGTCCACACCAAGAGTGCCCTGCCAGGCTG[C>T]GCTCGTGCTCGCCGCTCGAAGGCATCTACAAAGGTGTCAGGCGGCTGCCGGCTCAAGCAT-3'
Protein context (NP_036386.1, residues 116-136): FVDAFERRAR[Ala126=]QPGRALLVWT

ClinVar aggregate classification (germline): Conflicting classifications of pathogenicity. Review status: criteria provided, conflicting classifications (1 of 4 stars). 2 submissions from 2 submitters: Uncertain significance (1); Likely benign (1). Last evaluated 2025-12-03.

Conditions:
SLC27A5-related disorder. Also called: SLC27A5-related condition.

Allele frequency attached by ClinVar (database versions not stated): gnomAD 0.00005 and 0.00006; ESP Exome Variant Server 0.00008; ExAC 0.00009; TOPMed 0.00009.

Submissions (2):

PreventionGenetics, part of Exact Sciences
Classification: Likely benign for SLC27A5-related condition. Last evaluated: 2025-12-03. Review status: criteria provided, single submitter. Criteria: ACMG Guidelines, 2015. Collection method: clinical testing. Allele origin: germline.
Comment: This variant is classified as likely benign based on ACMG/AMP sequence variant interpretation guidelines (Richards et al. 2015 PMID: 25741868, with internal and published modifications).

Eurofins Ntd Llc (ga)
Classification: Uncertain significance. Last evaluated: 2017-10-19. Review status: criteria provided, single submitter. Criteria: EGL Classification Definitions 2015. Collection method: clinical testing. Allele origin: germline. Observed: 1 variant allele, 1 heterozygote.